The following is an entry in ClinVar:

NC_000006.12:g.(?_64997582)_(65057727_?)del

Gene: EYS (eyes shut homolog; minus strand). Cytogenetic location: 6q12.
Variant type: Deletion.
Identifiers: ClinVar variation 830607 (VCV000830607.1).

ClinVar aggregate classification (germline): Pathogenic (1 of 4 stars; one submission).

Submission:

Labcorp Genetics (formerly Invitae), Labcorp
Classification: Pathogenic. Last evaluated: 2019-12-23. Review status: criteria provided, single submitter. Criteria: Invitae Variant Classification Sherloc (09022015). Collection method: clinical testing. Allele origin: germline.
Comment: This variant is an out-of-frame deletion of the genomic region encompassing exons 13-14 of the EYS gene. This is expected to create a premature translational stop signal and result in an absent or disrupted protein product. This variant has been observed in individuals affected with retinitis pigmentosa (PMID: 30153090, 21519034). This variant is also known as c.3317-?_4251+? in the literature. Loss-of-function variants in EYS are known to be pathogenic (PMID: 18836446, 20333770). For these reasons, this variant has been classified as Pathogenic.

Literature cited by the submitters: PubMed 30153090; PubMed 21519034.